The following is an entry in ClinVar:

ClinVar aggregate classification (germline): Uncertain significance (1 of 4 stars; one submission).

Conditions:
STING-associated vasculopathy with onset in infancy. Also called: Sting-associated vasculopathy, infantile-onset. Identifiers: Orphanet 425120, MedGen C4014722, MONDO:0014405, OMIM 615934.

Submission:

Labcorp Genetics (formerly Invitae), Labcorp
Classification: Uncertain significance for STING-associated vasculopathy with onset in infancy. Last evaluated: 2022-12-08. Review status: criteria provided, single submitter. Criteria: Invitae Variant Classification Sherloc (09022015). Collection method: clinical testing. Allele origin: germline.
Comment: In summary, the available evidence is currently insufficient to determine the role of this variant in disease. Therefore, it has been classified as a Variant of Uncertain Significance. Advanced modeling of protein sequence and biophysical properties (such as structural, functional, and spatial information, amino acid conservation, physicochemical variation, residue mobility, and thermodynamic stability) performed at Invitae indicates that this missense variant is not expected to disrupt TMEM173 protein function. This variant has not been reported in the literature in individuals affected with TMEM173-related conditions. This variant is not present in population databases (gnomAD no frequency). This sequence change replaces aspartic acid, which is acidic and polar, with asparagine, which is neutral and polar, at codon 283 of the TMEM173 protein (p.Asp283Asn).

NM_198282.4(STING1):c.847G>A (p.Asp283Asn)

Gene: STING1 (stimulator of interferon response cGAMP interactor 1; minus strand). Cytogenetic location: 5q31.2.
Variant type: single nucleotide variant.
Coding change: c.847G>A on transcript NM_198282.4 (MANE Select); coding-DNA position 847, G replaced by A.
Protein change: p.Asp283Asn; replaces aspartic acid 283 with asparagine.
Molecular consequence: missense variant. On other transcripts: intron variant (1).
Genome position (GRCh38, 1-based): chr5:139,477,428, C>T on the plus strand (G>A on the coding strand, the complement: STING1 is on the minus strand). VCF-style: chr5-139477428-C-T. GRCh37 (hg19) VCF-style: chr5-138857013-C-T.
Other names: c.490G>A, p.Asp164Asn (NM_001367258.1); c.759+842G>A (NM_001301738.2); short protein forms D164N, D283N.
Identifiers: ClinVar variation 2096667 (VCV002096667.4), dbSNP rs2547062073, ClinGen allele CA361479613.